The following is an entry in ClinVar:

NM_000334.4(SCN4A):c.2053A>G (p.Thr685Ala)

Genes: GH-LCR (growth hormone locus control region; plus strand), SCN4A (sodium voltage-gated channel alpha subunit 4; minus strand). Cytogenetic location: 17q23.3.
Variant type: single nucleotide variant.
Coding change: c.2053A>G on transcript NM_000334.4 (MANE Select); coding-DNA position 2053, A replaced by G.
Protein change: p.Thr685Ala; replaces threonine 685 with alanine.
Molecular consequence: missense variant.
Genome position (GRCh38, 1-based): chr17:63,957,485, T>C on the plus strand (A>G on the coding strand, the complement: SCN4A is on the minus strand). VCF-style: chr17-63957485-T-C. GRCh37 (hg19) VCF-style: chr17-62034845-T-C.
Other names: short protein forms T685A.
Identifiers: ClinVar variation 1035720 (VCV001035720.9), dbSNP rs1909108173, ClinGen allele CA400631343.

ClinVar aggregate classification (germline): Uncertain significance (1 of 4 stars; one submission).

Conditions:
Hyperkalemic periodic paralysis. Also called: Familial hyperkalemic periodic paralysis; Gamstorp disease. Identifiers: Orphanet 682, MedGen C0238357, MONDO:0008224, OMIM 170500, HP:0007215.

Allele frequency attached by ClinVar (database versions not stated): gnomAD exomes below 0.00001.
gnomAD v4.1: 2 of 1,613,180 alleles (0.00012%); highest among the groups gnomAD compares: African/African-American, 0.0013%; no homozygotes.

Submission:

Labcorp Genetics (formerly Invitae), Labcorp
Classification: Uncertain significance for Hyperkalemic periodic paralysis. Last evaluated: 2022-03-18. Review status: criteria provided, single submitter. Criteria: Invitae Variant Classification Sherloc (09022015). Collection method: clinical testing. Allele origin: germline.
Comment: This sequence change replaces threonine, which is neutral and polar, with alanine, which is neutral and non-polar, at codon 685 of the SCN4A protein (p.Thr685Ala). This variant is not present in population databases (gnomAD no frequency). This variant has not been reported in the literature in individuals affected with SCN4A-related conditions. ClinVar contains an entry for this variant (Variation ID: 1035720). Algorithms developed to predict the effect of missense changes on protein structure and function (SIFT, PolyPhen-2, Align-GVGD) all suggest that this variant is likely to be disruptive. In summary, the available evidence is currently insufficient to determine the role of this variant in disease. Therefore, it has been classified as a Variant of Uncertain Significance.